The following is an entry in ClinVar:

ClinVar aggregate classification (germline): Conflicting classifications of pathogenicity. Review status: criteria provided, conflicting classifications (1 of 4 stars). 3 submissions from 3 submitters: Uncertain significance (2); Likely benign (1). Last evaluated 2025-09-04.

Conditions:
Nephrolithiasis/nephrocalcinosis. Identifiers: MedGen CN580796.
Autosomal dominant hypocalcemia 1 (HYPOC1). Also called: HYPOCALCEMIA, FAMILIAL. Identifiers: MedGen C3715128, MONDO:0011013, OMIM 601198.
Familial hypocalciuric hypercalcemia (FHH). Also called: Familial benign hypercalcemia. Identifiers: Orphanet 405, MedGen C1809471, MONDO:0018458.

Allele frequency attached by ClinVar (database versions not stated): TOPMed below 0.00001; ExAC 0.00001; gnomAD 0.00001; gnomAD exomes 0.00001 and 0.00002.
gnomAD v4.1: 15 of 1,614,072 alleles (0.00093%); highest among the groups gnomAD compares: East Asian, 0.02%; no homozygotes.

Submissions (3):

Labcorp Genetics (formerly Invitae), Labcorp
Classification: Likely benign for Familial hypocalciuric hypercalcemia; Autosomal dominant hypocalcemia 1. Last evaluated: 2025-09-04. Review status: criteria provided, single submitter. Criteria: Invitae Variant Classification Sherloc (09022015). Collection method: clinical testing. Allele origin: germline.

Ambry Genetics
Classification: Uncertain significance for Nephrolithiasis/nephrocalcinosis. Last evaluated: 2024-03-27. Review status: criteria provided, single submitter. Criteria: Ambry Variant Classification Scheme 2023. Collection method: clinical testing. Allele origin: germline.
Comment: The p.R205C variant (also known as c.613C>T), located in coding exon 3 of the CASR gene, results from a C to T substitution at nucleotide position 613. The arginine at codon 205 is replaced by cysteine, an amino acid with highly dissimilar properties. This variant was identified in an individual with familial hypocalciuric hypercalcemia (Nissen PH et al. Clin. Chim. Acta, 2012 Mar;413:605-11), and has also been reported in two patients with benign sporadic primary hyperparathyroidism (PHPT), one who also carried a likely pathogenic variant in the VHL gene (Park HS et al. Front Endocrinol (Lausanne), 2022 Apr;13:853171). Another study identified this variant in a family with autosomal dominant hypocalcemia type 1 (ADH1) (Ji Y et al. Medicine (Baltimore), 2021 Jun;100:e26443). This amino acid position is not well conserved in available vertebrate species. In addition, the in silico prediction for this alteration is inconclusive. In addition, the evidence for the gene-disease relationship is limited for pancreatitis and cancer predisposition; therefore, the clinical significance of this variant for CASR-related pancreatitis and cancer predisposition is unclear. Based on the available evidence, the clinical significance of this alteration remains unclear.

Eurofins Ntd Llc (ga)
Classification: Uncertain significance. Last evaluated: 2017-06-23. Review status: criteria provided, single submitter. Criteria: EGL Classification Definitions 2015. Collection method: clinical testing. Allele origin: germline. Observed: 1 variant allele, 1 heterozygote.

Literature cited by the submitters: PubMed 22192860 (cited by Ambry Genetics); PubMed 34160437 (cited by Ambry Genetics); PubMed 35586626 (cited by Ambry Genetics).

NM_000388.4(CASR):c.613C>T (p.Arg205Cys)

Gene: CASR (calcium sensing receptor; plus strand). Cytogenetic location: 3q21.1.
Variant type: single nucleotide variant.
Coding change: c.613C>T on transcript NM_000388.4 (MANE Select); coding-DNA position 613, C replaced by T.
Protein change: p.Arg205Cys; replaces arginine 205 with cysteine.
Molecular consequence: missense variant.
Genome position (GRCh38, 1-based): chr3:122,261,648, C>T. VCF-style: chr3-122261648-C-T. GRCh37 (hg19) VCF-style: chr3-121980495-C-T.
Other names: c.613C>T, p.Arg205Cys (NM_001178065.2); short protein forms R205C.
Identifiers: ClinVar variation 502680 (VCV000502680.17), dbSNP rs775751453, ClinGen allele CA2569514.